The following is an entry in ClinVar:

NM_014283.5(SUCO):c.296A>G (p.Glu99Gly)

Gene: SUCO (SUN domain containing ossification factor; plus strand). Cytogenetic location: 1q24.3.
Variant type: single nucleotide variant.
Coding change: c.296A>G on transcript NM_014283.5 (MANE Select); coding-DNA position 296, A replaced by G.
Protein change: p.Glu99Gly; replaces glutamic acid 99 with glycine.
Molecular consequence: missense variant. On other transcripts: 5 prime UTR variant (1).
Genome position (GRCh38, 1-based): chr1:172,555,876, A>G. VCF-style: chr1-172555876-A-G. GRCh37 (hg19) VCF-style: chr1-172525016-A-G.
Other names: c.185A>G, p.Glu62Gly (NM_001282750.2); c.-1234A>G (NM_001282751.2); c.770A>G, p.Glu257Gly (NM_016227.4); short protein forms E62G, E99G, E257G.
Identifiers: ClinVar variation 1996590 (VCV001996590.4), dbSNP rs1571203475, ClinGen allele CA343736639.
Genomic context (GRCh38, chr1:172,555,876, plus strand): 5'-AGATGTTATATTAATCTCAACATTTAATTTAGCTGACTTGTTTTTTTAAACAGAATACAG[A>G]GTCAAAAAAGTTAAGTCCACCGGTGGTGGAGACACTCCCTACAGTTGATTTGCATGAAGA-3'
Protein context (NP_055098.1, residues 89-109): DDSIVDVQNT[Glu99Gly]SKKLSPPVVE

ClinVar aggregate classification (germline): Uncertain significance (1 of 4 stars; one submission).

Allele frequency attached by ClinVar (database versions not stated): TOPMed below 0.00001; gnomAD 0.00001.
gnomAD v4.1: 1 of 1,609,650 alleles (0.000062%); highest among the groups gnomAD compares: Non-Finnish European, 0.000085%; no homozygotes.

Submission:

Labcorp Genetics (formerly Invitae), Labcorp
Classification: Uncertain significance. Last evaluated: 2022-05-19. Review status: criteria provided, single submitter. Criteria: Invitae Variant Classification Sherloc (09022015). Collection method: clinical testing. Allele origin: germline.
Comment: This sequence change replaces glutamic acid, which is acidic and polar, with glycine, which is neutral and non-polar, at codon 99 of the SUCO protein (p.Glu99Gly). This variant is not present in population databases (gnomAD no frequency). In summary, the available evidence is currently insufficient to determine the role of this variant in disease. Therefore, it has been classified as a Variant of Uncertain Significance. Algorithms developed to predict the effect of missense changes on protein structure and function (SIFT, PolyPhen-2, Align-GVGD) all suggest that this variant is likely to be tolerated. This variant has not been reported in the literature in individuals affected with SUCO-related conditions.